The following is an entry in ClinVar:

ClinVar aggregate classification (germline): Uncertain significance (1 of 4 stars; one submission).

Conditions:
NIK deficiency. Also called: Primary immunodeficiency with multifaceted aberrant lymphoid immunity. Identifiers: Orphanet 447731, MedGen C5680065, MONDO:0018642.

Submission:

Labcorp Genetics (formerly Invitae), Labcorp
Classification: Uncertain significance for NIK deficiency. Last evaluated: 2024-11-04. Review status: criteria provided, single submitter. Criteria: Invitae Variant Classification Sherloc (09022015). Collection method: clinical testing. Allele origin: germline.
Comment: This sequence change replaces threonine with lysine at codon 552 of the MAP3K14 protein (p.Thr552Lys). The threonine residue is highly conserved and there is a moderate physicochemical difference between threonine and lysine. This variant is not present in population databases (gnomAD no frequency). This variant has not been reported in the literature in individuals affected with MAP3K14-related conditions. ClinVar contains an entry for this variant (Variation ID: 1472428). Experimental studies and prediction algorithms are not available or were not evaluated, and the functional significance of this variant is currently unknown. In summary, the available evidence is currently insufficient to determine the role of this variant in disease. Therefore, it has been classified as a Variant of Uncertain Significance.

NM_003954.5(MAP3K14):c.1655C>A (p.Thr552Lys)

Gene: MAP3K14 (mitogen-activated protein kinase kinase kinase 14; minus strand). Cytogenetic location: 17q21.31.
Variant type: single nucleotide variant.
Coding change: c.1655C>A on transcript NM_003954.5 (MANE Select); coding-DNA position 1655, C replaced by A.
Protein change: p.Thr552Lys; replaces threonine 552 with lysine.
Molecular consequence: missense variant.
Genome position (GRCh38, 1-based): chr17:45,273,505, G>T on the plus strand (C>A on the coding strand, the complement: MAP3K14 is on the minus strand). VCF-style: chr17-45273505-G-T. GRCh37 (hg19) VCF-style: chr17-43350872-G-T.
Other names: short protein forms T552K.
Identifiers: ClinVar variation 1472428 (VCV001472428.6), dbSNP rs757322900, ClinGen allele CA399882008.